The following is an entry in ClinVar:

NM_001144967.3(NEDD4L):c.951C>G (p.Ile317Met)

Gene: NEDD4L (NEDD4 like E3 ubiquitin protein ligase; plus strand). Cytogenetic location: 18q21.31.
Variant type: single nucleotide variant.
Coding change: c.951C>G on transcript NM_001144967.3 (MANE Select); coding-DNA position 951, C replaced by G.
Protein change: p.Ile317Met; replaces isoleucine 317 with methionine.
Molecular consequence: missense variant.
Genome position (GRCh38, 1-based): chr18:58,330,875, C>G. VCF-style: chr18-58330875-C-G. GRCh37 (hg19) VCF-style: chr18-55998107-C-G.
Other names: c.588C>G, p.Ile196Met (NM_001144964.1, NM_001144965.2, NM_001144966.3 and 2 more transcripts); c.927C>G, p.Ile309Met (NM_001144968.2, NM_001144969.2); c.951C>G, p.Ile317Met (NM_001243960.2, NM_015277.6); short protein forms I196M, I309M, I317M.
Identifiers: ClinVar variation 1063618 (VCV001063618.9), dbSNP rs2144702525, ClinGen allele CA402555853.

ClinVar aggregate classification (germline): Uncertain significance (1 of 4 stars; one submission).

Allele frequency attached by ClinVar (database versions not stated): gnomAD exomes below 0.00001.

Submission:

Labcorp Genetics (formerly Invitae), Labcorp
Classification: Uncertain significance. Last evaluated: 2018-01-20. Review status: criteria provided, single submitter. Criteria: Invitae Variant Classification Sherloc (09022015). Collection method: clinical testing. Allele origin: germline.
Comment: In summary, the available evidence is currently insufficient to determine the role of this variant in disease. Therefore, it has been classified as a Variant of Uncertain Significance. Algorithms developed to predict the effect of missense changes on protein structure and function (SIFT, PolyPhen-2, Align-GVGD) all suggest that this variant is likely to be tolerated, but these predictions have not been confirmed by published functional studies and their clinical significance is uncertain. This variant has not been reported in the literature in individuals with NEDD4L-related disease. This variant is not present in population databases (ExAC no frequency). This sequence change replaces isoleucine with methionine at codon 317 of the NEDD4L protein (p.Ile317Met). The isoleucine residue is moderately conserved and there is a small physicochemical difference between isoleucine and methionine.